The following is an entry in ClinVar:

ClinVar aggregate classification (germline): Uncertain significance. Review status: criteria provided, multiple submitters, no conflicts (2 of 4 stars). 3 submissions from 3 submitters: Uncertain significance (3). Last evaluated 2025-12-22.

Conditions:
Hereditary cancer-predisposing syndrome. Also called: Tumor predisposition; Hereditary neoplastic syndrome; Neoplastic Syndromes, Hereditary; Hereditary Cancer Syndrome. Identifiers: Orphanet 140162, MedGen C0027672, MeSH D009386, MONDO:0015356.

Allele frequency attached by ClinVar (database versions not stated): gnomAD exomes below 0.00001.
gnomAD v4.1: 3 of 1,614,080 alleles (0.00019%); highest among the groups gnomAD compares: Non-Finnish European, 0.00025%; no homozygotes.

Submissions (3):

Labcorp Genetics (formerly Invitae), Labcorp
Classification: Uncertain significance. Last evaluated: 2025-12-22. Review status: criteria provided, single submitter. Criteria: Invitae Variant Classification Sherloc (09022015). Collection method: clinical testing. Allele origin: germline.
Comment: This sequence change replaces histidine, which is basic and polar, with arginine, which is basic and polar, at codon 467 of the MSH3 protein (p.His467Arg). This variant is present in population databases (no rsID available, gnomAD 0.0009%). This variant has not been reported in the literature in individuals affected with MSH3-related conditions. ClinVar contains an entry for this variant (Variation ID: 1042740). An algorithm developed to predict the effect of missense changes on protein structure and function (PolyPhen-2) suggests that this variant is likely to be tolerated. In summary, the available evidence is currently insufficient to determine the role of this variant in disease. Therefore, it has been classified as a Variant of Uncertain Significance.

Ambry Genetics
Classification: Uncertain significance for Hereditary cancer-predisposing syndrome. Last evaluated: 2024-07-10. Review status: criteria provided, single submitter. Criteria: Ambry Variant Classification Scheme 2023. Collection method: clinical testing. Allele origin: germline.
Comment: The p.H467R variant (also known as c.1400A>G), located in coding exon 9 of the MSH3 gene, results from an A to G substitution at nucleotide position 1400. The histidine at codon 467 is replaced by arginine, an amino acid with highly similar properties. This amino acid position is well conserved in available vertebrate species. In addition, this alteration is predicted to be tolerated by in silico analysis. Based on the available evidence, the clinical significance of this variant remains unclear.

CeGaT Center for Human Genetics Tuebingen
Classification: Uncertain significance. Last evaluated: 2024-05-01. Review status: criteria provided, single submitter. Criteria: CeGaT Center For Human Genetics Tuebingen Variant Classification Criteria Version 2. Collection method: clinical testing. Allele origin: germline. Affected: yes. Observed: 1 variant allele.
Comment: MSH3: PM2, BP1

NM_002439.5(MSH3):c.1400A>G (p.His467Arg)

Gene: MSH3 (mutS homolog 3; plus strand). Cytogenetic location: 5q14.1.
Variant type: single nucleotide variant.
Coding change: c.1400A>G on transcript NM_002439.5 (MANE Select); coding-DNA position 1400, A replaced by G.
Protein change: p.His467Arg; replaces histidine 467 with arginine.
Molecular consequence: missense variant.
Genome position (GRCh38, 1-based): chr5:80,725,512, A>G. VCF-style: chr5-80725512-A-G. GRCh37 (hg19) VCF-style: chr5-80021331-A-G.
Other names: c.1400A>G (NM_002439.3); short protein forms H467R.
Identifiers: ClinVar variation 1042740 (VCV001042740.28), dbSNP rs1316678832, ClinGen allele CA360273556.